The following is an entry in ClinVar:

NM_002691.4(POLD1):c.2530G>T (p.Val844Phe)

Gene: POLD1 (DNA polymerase delta 1, catalytic subunit; plus strand). Cytogenetic location: 19q13.33.
Variant type: single nucleotide variant.
Coding change: c.2530G>T on transcript NM_002691.4 (MANE Select); coding-DNA position 2530, G replaced by T.
Protein change: p.Val844Phe; replaces valine 844 with phenylalanine.
Molecular consequence: missense variant. On other transcripts: non-coding transcript variant (1).
Genome position (GRCh38, 1-based): chr19:50,414,956, G>T. VCF-style: chr19-50414956-G-T. GRCh37 (hg19) VCF-style: chr19-50918213-G-T.
Other names: c.2530G>T, p.Val844Phe (NM_001256849.1); c.2608G>T, p.Val870Phe (NM_001308632.1); short protein forms V870F, V844F.
Identifiers: ClinVar variation 2817089 (VCV002817089.3), dbSNP rs2039221918, ClinGen allele CA406985193.

ClinVar aggregate classification (germline): Uncertain significance (1 of 4 stars; one submission).

Conditions:
POLD1-related polyposis and colorectal cancer syndrome (CRCS10). Also called: Colorectal cancer 10; Colorectal cancer, susceptibility to, 10; COLORECTAL CANCER, SUSCEPTIBILITY TO, ON CHROMOSOME 19q. Identifiers: Orphanet 220460, MedGen C2675481, MONDO:0012953, OMIM 612591.

Submission:

Labcorp Genetics (formerly Invitae), Labcorp
Classification: Uncertain significance for POLD1-related polyposis and colorectal cancer syndrome. Last evaluated: 2022-11-28. Review status: criteria provided, single submitter. Criteria: Invitae Variant Classification Sherloc (09022015). Collection method: clinical testing. Allele origin: germline.
Comment: This sequence change replaces valine, which is neutral and non-polar, with phenylalanine, which is neutral and non-polar, at codon 844 of the POLD1 protein (p.Val844Phe). This variant is not present in population databases (gnomAD no frequency). This variant has not been reported in the literature in individuals affected with POLD1-related conditions. Advanced modeling of protein sequence and biophysical properties (such as structural, functional, and spatial information, amino acid conservation, physicochemical variation, residue mobility, and thermodynamic stability) has been performed at Invitae for this missense variant, however the output from this modeling did not meet the statistical confidence thresholds required to predict the impact of this variant on POLD1 protein function. In summary, the available evidence is currently insufficient to determine the role of this variant in disease. Therefore, it has been classified as a Variant of Uncertain Significance.